The following is an entry in ClinVar:

NM_014855.3(AP5Z1):c.2413A>G (p.Met805Val)

Gene: AP5Z1 (adaptor related protein complex 5 subunit zeta 1; plus strand). Cytogenetic location: 7p22.1.
Variant type: single nucleotide variant.
Coding change: c.2413A>G on transcript NM_014855.3 (MANE Select); coding-DNA position 2413, A replaced by G.
Protein change: p.Met805Val; replaces methionine 805 with valine.
Molecular consequence: missense variant. On other transcripts: non-coding transcript variant (1).
Genome position (GRCh38, 1-based): chr7:4,791,374, A>G. VCF-style: chr7-4791374-A-G. GRCh37 (hg19) VCF-style: chr7-4831005-A-G.
Other names: c.1945A>G, p.Met649Val (NM_001364858.1); short protein forms M649V, M805V.
Identifiers: ClinVar variation 1879684 (VCV001879684.29), dbSNP rs1228243492, ClinGen allele CA366666112.

ClinVar aggregate classification (germline): Uncertain significance (1 of 4 stars; one submission).

Submission:

CeGaT Center for Human Genetics Tuebingen
Classification: Uncertain significance. Last evaluated: 2022-12-01. Review status: criteria provided, single submitter. Criteria: CeGaT Center For Human Genetics Tuebingen Variant Classification Criteria Version 2. Collection method: clinical testing. Allele origin: germline. Affected: yes. Observed: 1 variant allele.
Comment: AP5Z1: PM2, BP1, BP4